The following is an entry in ClinVar:

ClinVar aggregate classification (germline): Uncertain significance (1 of 4 stars; one submission).

Submission:

Ambry Genetics
Classification: Uncertain significance. Last evaluated: 2026-06-09. Review status: criteria provided, single submitter. Criteria: Ambry Variant Classification Scheme 2023. Collection method: clinical testing. Allele origin: germline.
Comment: The p.A11V variant (also known as c.32C>T), located in coding exon 1 of the A2ML1 gene, results from a C to T substitution at nucleotide position 32. The alanine at codon 11 is replaced by valine, an amino acid with similar properties. This amino acid position is conserved. In addition, this alteration is predicted to be tolerated by in silico analysis. Based on the available evidence, the clinical significance of this variant remains unclear.

NM_144670.6(A2ML1):c.32C>T (p.Ala11Val)

Genes: A2ML1 (alpha-2-macroglobulin like 1; plus strand), A2ML1-AS1 (A2ML1 antisense RNA 1; minus strand). Cytogenetic location: 12p13.31.
Variant type: single nucleotide variant.
Coding change: c.32C>T on transcript NM_144670.6 (MANE Select); coding-DNA position 32, C replaced by T.
Protein change: p.Ala11Val; replaces alanine 11 with valine.
Molecular consequence: missense variant.
Genome position (GRCh38, 1-based): chr12:8,822,683, C>T. VCF-style: chr12-8822683-C-T. GRCh37 (hg19) VCF-style: chr12-8975279-C-T.
Other names: short protein forms A11V.
Identifiers: ClinVar variation 4862183 (VCV004862183.1).
Genomic context (GRCh38, chr12:8,822,683, plus strand): 5'-CCCTGGAAAAATCTGTCTCACCCACAAAGATGTGGGCTCAGCTCCTTCTAGGAATGTTGG[C>T]CCTATCACCAGCCATTGCAGAAGAACTTCCGTGAGTGCTTGGTGTCAGAATTGGTTTATT-3'
Protein context (NP_653271.3, residues 1-21): MWAQLLLGML[Ala11Val]LSPAIAEELP